The following is an entry in ClinVar:

ClinVar aggregate classification (germline): Uncertain significance. Review status: criteria provided, single submitter (1 of 4 stars). 2 submissions from 2 submitters: Uncertain significance (1). 1 of the submissions does not count toward it. Last evaluated 2021-09-01.

Conditions:
Intellectual disability. Also called: intellectual disabilities; Intellectual developmental disorder; Intellectual functioning disability. Identifiers: MedGen C3714756, MeSH D008607, MONDO:0001071, HP:0001249.
Hyperprolinemia type 2 (HYRPRO2). Also called: Delta-1-pyrroline-5-carboxylate dehydrogenase deficiency; 1-PYRROLINE-5-CARBOXYLATE DEHYDROGENASE DEFICIENCY; Deficiency of pyrroline-5-carboxylate reductase. Identifiers: Orphanet 79101, MedGen C2931835, MONDO:0009401, OMIM 239510.

Allele frequency attached by ClinVar (database versions not stated): gnomAD 0.00001 and 0.00002; ESP Exome Variant Server 0.00008; TOPMed 0.00002.
gnomAD v4.1: 31 of 1,613,766 alleles (0.0019%); highest among the groups gnomAD compares: South Asian, 0.014%; 1 homozygote.

Submissions (2):

Labcorp Genetics (formerly Invitae), Labcorp
Classification: Uncertain significance for Hyperprolinemia type 2. Last evaluated: 2021-09-01. Review status: criteria provided, single submitter. Criteria: Invitae Variant Classification Sherloc (09022015). Collection method: clinical testing. Allele origin: germline.
Comment: This sequence change replaces arginine with glutamine at codon 113 of the ALDH4A1 protein (p.Arg113Gln). The arginine residue is moderately conserved and there is a small physicochemical difference between arginine and glutamine. This variant is present in population databases (rs371321697, ExAC 0.03%). This variant has not been reported in the literature in individuals affected with ALDH4A1-related conditions. Algorithms developed to predict the effect of missense changes on protein structure and function (SIFT, PolyPhen-2, Align-GVGD) all suggest that this variant is likely to be tolerated. Algorithms developed to predict the effect of sequence changes on RNA splicing suggest that this variant may create or strengthen a splice site. In summary, the available evidence is currently insufficient to determine the role of this variant in disease. Therefore, it has been classified as a Variant of Uncertain Significance.

Centre de Biologie Pathologie Génétique, Centre Hospitalier Universitaire de Lille
Classification: Likely benign for Intellectual disability. Last evaluated: 2019-01-01. Review status: no assertion criteria provided. Collection method: clinical testing. Allele origin: inherited. Affected: yes. Not counted in ClinVar's aggregate classification.

NM_003748.4(ALDH4A1):c.338G>A (p.Arg113Gln)

Gene: ALDH4A1 (aldehyde dehydrogenase 4 family member A1; minus strand). Cytogenetic location: 1p36.13.
Variant type: single nucleotide variant.
Coding change: c.338G>A on transcript NM_003748.4 (MANE Select); coding-DNA position 338, G replaced by A.
Protein change: p.Arg113Gln; replaces arginine 113 with glutamine.
Molecular consequence: missense variant.
Genome position (GRCh38, 1-based): chr1:18,885,588, C>T on the plus strand (G>A on the coding strand, the complement: ALDH4A1 is on the minus strand). VCF-style: chr1-18885588-C-T. GRCh37 (hg19) VCF-style: chr1-19212082-C-T.
Other names: c.158G>A, p.Arg53Gln (NM_001161504.2); c.338G>A, p.Arg113Gln (NM_001319218.2, NM_170726.3); short protein forms R113Q, R53Q.
Identifiers: ClinVar variation 975480 (VCV000975480.7), dbSNP rs371321697, ClinGen allele CA647396.
Genomic context (GRCh38, chr1:18,885,588, plus strand): 5'-TCTGCCGCCTTCAGGAAGATCTGGGCCCGGTCTGCAATAGGCTTCAGGTCCCACTCTTTC[C>T]GGGCAGCCAGGGCAGCCTCAATGGCTTTGTTGAGCAGGCTCTAAAGGGAGAGGGAGAGGT-3'
Protein context (NP_003739.2, residues 103-123): NKAIEAALAA[Arg113Gln]KEWDLKPIAD